The following is an entry in ClinVar:

ClinVar aggregate classification (germline): Likely benign (1 of 4 stars; one submission).

Allele frequency attached by ClinVar (database versions not stated): ESP Exome Variant Server 0.00016; gnomAD 0.00021; gnomAD exomes 0.00027; ExAC 0.00061.
gnomAD v4.1: 193 of 732,038 alleles (0.026%); highest among the groups gnomAD compares: Non-Finnish European, 0.035%; no homozygotes.

Submission:

CeGaT Center for Human Genetics Tuebingen
Classification: Likely benign. Last evaluated: 2022-12-01. Review status: criteria provided, single submitter. Criteria: CeGaT Center For Human Genetics Tuebingen Variant Classification Criteria Version 2. Collection method: clinical testing. Allele origin: germline. Affected: yes. Observed: 2 variant alleles.
Comment: BAHCC1: BP4, BP7

NM_001377448.1(BAHCC1):c.5439C>T (p.Ala1813=)

Gene: BAHCC1 (BAH domain and coiled-coil containing 1; plus strand). Cytogenetic location: 17q25.3.
Variant type: single nucleotide variant.
Coding change: c.5439C>T on transcript NM_001377448.1 (MANE Select); coding-DNA position 5439, C replaced by T.
Protein change: p.Ala1813=; no amino-acid change (alanine 1813 retained).
Molecular consequence: synonymous variant.
Genome position (GRCh38, 1-based): chr17:81,458,716, C>T. VCF-style: chr17-81458716-C-T. GRCh37 (hg19) VCF-style: chr17-79425742-C-T.
Other names: c.5532C>T, p.Ala1844= (NM_001291324.3).
Identifiers: ClinVar variation 2648452 (VCV002648452.24), dbSNP rs371971239, ClinGen allele CA8834779.